The following continues an entry in ClinVar:

NC_000011.10:g.47337730dup

Gene: MYBPC3. ClinVar aggregate classification (germline): Pathogenic. Pathogenic (32).

Submissions 39 to 41 of 41:

Joint Genome Diagnostic Labs from Nijmegen and Maastricht, Radboudumc and MUMC+
Classification: Pathogenic. Review status: no assertion criteria provided. Collection method: clinical testing. Allele origin: germline. Affected: yes. Study: VKGL Data-share Consensus. Not counted in ClinVar's aggregate classification.

Laboratory of Diagnostic Genome Analysis, Leiden University Medical Center (LUMC)
Classification: Pathogenic. Review status: no assertion criteria provided. Collection method: clinical testing. Allele origin: germline. Affected: yes. Study: VKGL Data-share Consensus. Not counted in ClinVar's aggregate classification.

Zaffran Lab, Genetics of Cardiac Diseases Laboratory, Marseille Medical Genetics
Classification: Pathogenic for hypertrophic cardiomyopathy. Review status: no assertion criteria provided. Collection method: research. Allele origin: unknown. Affected: yes. Not counted in ClinVar's aggregate classification.

Literature cited by the submitters: PubMed 32841044 (cited by Victorian Clinical Genetics Services, Murdoch Childrens Research Institute and North West Genomic Laboratory Hub, Manchester University NHS Foundation Trust); PubMed 32009526 (cited by Victorian Clinical Genetics Services, Murdoch Childrens Research Institute); PubMed 14563344 (cited by 10 submitters); PubMed 27108529 (cited by 4 submitters); PubMed 19574547 (cited by 5 submitters); PubMed 9562578 (cited by 12 submitters); PubMed 10736283 (cited by 11 submitters); PubMed 19273718 (cited by 12 submitters); PubMed 22115648 (cited by 6 submitters); PubMed 22574137 (cited by 7 submitters); PubMed 25335496 (cited by 9 submitters); PubMed 20505798 (cited by 9 submitters); PubMed 32880476 (cited by 3 submitters); PubMed 35653365 (cited by Color Diagnostics, LLC DBA Color Health and All of Us Research Program, National Institutes of Health); PubMed 37844837 (cited by Color Diagnostics, LLC DBA Color Health and All of Us Research Program, National Institutes of Health); PubMed 38489124 (cited by Color Diagnostics, LLC DBA Color Health and All of Us Research Program, National Institutes of Health); PubMed 22569109 (cited by Women's Health and Genetics/Laboratory Corporation of America, LabCorp and North West Genomic Laboratory Hub, Manchester University NHS Foundation Trust); PubMed 30025578 (cited by North West Genomic Laboratory Hub, Manchester University NHS Foundation Trust and AiLife Diagnostics); PubMed 11847170 (cited by 3 submitters); PubMed 26489474 (cited by North West Genomic Laboratory Hub, Manchester University NHS Foundation Trust and AiLife Diagnostics); PubMed 29121657 (cited by North West Genomic Laboratory Hub, Manchester University NHS Foundation Trust and AiLife Diagnostics); PubMed 29447731 (cited by North West Genomic Laboratory Hub, Manchester University NHS Foundation Trust and AiLife Diagnostics); PubMed 30742251 (cited by North West Genomic Laboratory Hub, Manchester University NHS Foundation Trust and AiLife Diagnostics); PubMed 16679492 (cited by North West Genomic Laboratory Hub, Manchester University NHS Foundation Trust); PubMed 25262865 (cited by North West Genomic Laboratory Hub, Manchester University NHS Foundation Trust); PubMed 15519027 (cited by North West Genomic Laboratory Hub, Manchester University NHS Foundation Trust); PubMed 22057632 (cited by Ambry Genetics); PubMed 11499718 (cited by 3 submitters); PubMed 25611685 (cited by Mayo Clinic Laboratories, Mayo Clinic); PubMed 27532257 (cited by 3 submitters); PubMed 29300372 (cited by Laboratory for Molecular Medicine, Mass General Brigham Personalized Medicine); PubMed 33673806 (cited by Clinical Genomics Laboratory, Stanford Medicine); PubMed 29237689 (cited by AiLife Diagnostics); PubMed 28790153 (cited by AiLife Diagnostics); PubMed 30731207 (cited by AiLife Diagnostics); PubMed 30775854 (cited by AiLife Diagnostics); PubMed 31737537 (cited by AiLife Diagnostics); PubMed 29212898 (cited by AiLife Diagnostics); PubMed 26914223 (cited by AiLife Diagnostics); PubMed 31006259 (cited by AiLife Diagnostics); PubMed 30550750 (cited by AiLife Diagnostics); PubMed 32686758 (cited by AiLife Diagnostics); PubMed 31513939 (cited by AiLife Diagnostics); PubMed 29759671 (cited by AiLife Diagnostics); PubMed 30847666 (cited by AiLife Diagnostics); PubMed 28794111 (cited by AiLife Diagnostics); PubMed 19356534 (cited by Loeys Lab, Universiteit Antwerpen and Agnes Ginges Centre for Molecular Cardiology, Centenary Institute); PubMed 23674513 (cited by Loeys Lab, Universiteit Antwerpen); PubMed 24111713 (cited by Loeys Lab, Universiteit Antwerpen); PubMed 27476098 (cited by Loeys Lab, Universiteit Antwerpen); PubMed 11499719 (cited by Agnes Ginges Centre for Molecular Cardiology, Centenary Institute).